The following is an entry in ClinVar:

ClinVar aggregate classification (germline): Benign. Review status: criteria provided, single submitter (1 of 4 stars). 3 submissions from 1 submitter: Benign (3). Last evaluated 2018-01-12.

Conditions:
Pallister-Hall syndrome (PHS). Also called: HYPOTHALAMIC HAMARTOBLASTOMA, HYPOPITUITARISM, IMPERFORATE ANUS, AND POSTAXIAL POLYDACTYLY; GLI3-Related Pallister-Hall Syndrome. Identifiers: Orphanet 672, MedGen C0265220, MONDO:0007804, OMIM 146510.
Greig cephalopolysyndactyly syndrome (GCPS). Also called: POLYSYNDACTYLY WITH PECULIAR SKULL SHAPE; Greig syndrome; GLI3-Related Greig Cephalopolysyndactyly Syndrome. Identifiers: Orphanet 380, MedGen C0265306, MONDO:0008287, OMIM 175700.
Polydactyly. Also called: polydactylism. Identifiers: MedGen C0152427, MONDO:0021003, OMIM 603596, HP:0010442.

Allele frequency attached by ClinVar (database versions not stated): gnomAD 0.00262 and 0.00285; 1000 Genomes Project 0.00280; 1000 Genomes Project 30x 0.00281; TOPMed 0.00285.

Submissions (3):

Illumina Laboratory Services, Illumina
Classification: Benign for Polydactyly. Last evaluated: 2018-01-12. Review status: criteria provided, single submitter. Criteria: ICSL Variant Classification Criteria 13 December 2019. Collection method: clinical testing. Allele origin: germline.
Comment: This variant was observed in the ICSL laboratory as part of a predisposition screen in an ostensibly healthy population. It had not been previously curated by ICSL or reported in the Human Gene Mutation Database (HGMD: prior to June 1st, 2018), and was therefore a candidate for classification through an automated scoring system. Utilizing variant allele frequency, disease prevalence and penetrance estimates, and inheritance mode, an automated score was calculated to assess if this variant is too frequent to cause the disease. Based on the score and internal cut-off values, a variant classified as benign is not then subjected to further curation. The score for this variant resulted in a classification of benign for this disease.

Illumina Laboratory Services, Illumina
Classification: Benign for Pallister-Hall syndrome. Last evaluated: 2018-01-12. Review status: criteria provided, single submitter. Criteria: ICSL Variant Classification Criteria 13 December 2019. Collection method: clinical testing. Allele origin: germline.
Comment: the same text as in the submission from Illumina Laboratory Services, Illumina above.

Illumina Laboratory Services, Illumina
Classification: Benign for Greig cephalopolysyndactyly syndrome. Last evaluated: 2018-01-12. Review status: criteria provided, single submitter. Criteria: ICSL Variant Classification Criteria 13 December 2019. Collection method: clinical testing. Allele origin: germline.
Comment: the same text as in the submission from Illumina Laboratory Services, Illumina above.

NM_000168.6(GLI3):c.*1080G>A

Gene: GLI3 (GLI family zinc finger 3; minus strand). Cytogenetic location: 7p14.1.
Variant type: single nucleotide variant.
Coding change: c.*1080G>A on transcript NM_000168.6 (MANE Select); 1080 bases downstream of the stop codon, G replaced by A.
Molecular consequence: 3 prime UTR variant.
Genome position (GRCh38, 1-based): chr7:41,963,250, C>T on the plus strand (G>A on the coding strand, the complement: GLI3 is on the minus strand). VCF-style: chr7-41963250-C-T. GRCh37 (hg19) VCF-style: chr7-42002848-C-T.
Identifiers: ClinVar variation 360195 (VCV000360195.5), dbSNP rs58924064, ClinGen allele CA10623974.
Genomic context (GRCh38, chr7:41,963,250, plus strand): 5'-CTTTCTCTTTTACAACTAAGTTTTATAAATCCCTCAAAATAAGGTATTTAGAATGGAAAT[C>T]CTCCCTCACTATAGTGGAATTAATAAATGTTACTGATACAGCCGCTTGTGGGGTTGTTTA-3'